The following is an entry in ClinVar:

NM_001298.3(CNGA3):c.448_449+2del

Gene: CNGA3 (cyclic nucleotide gated channel subunit alpha 3; plus strand). Cytogenetic location: 2q11.2.
Variant type: Deletion.
Coding change: c.448_449+2del on transcript NM_001298.3 (MANE Select); coding-DNA position 448 through the canonical splice donor site of the intron after coding-DNA position 449, 4 bases deleted (GAGT; older notation c.448_449+2delGAGT).
Molecular consequence: splice donor variant. On other transcripts: intron variant (1).
Genome position (GRCh38, 1-based): chr2:98,383,440-98,383,443, GAGT deleted. VCF-style (leftmost placement, unchanged base first): chr2-98383439-GGAGT-G. GRCh37 (hg19) VCF-style: chr2-98999902-GGAGT-G.
Other names: c.395+3086_395+3089del (NM_001079878.2).
Identifiers: ClinVar variation 2813198 (VCV002813198.4), dbSNP rs2466995573, ClinGen allele CA2739271170.

ClinVar aggregate classification (germline): Conflicting classifications of pathogenicity. Review status: criteria provided, conflicting classifications (1 of 4 stars). 2 submissions from 2 submitters: Likely pathogenic (1); Uncertain significance (1). Last evaluated 2023-03-21.

Submissions (2):

Labcorp Genetics (formerly Invitae), Labcorp
Classification: Likely pathogenic. Last evaluated: 2023-03-21. Review status: criteria provided, single submitter. Criteria: Invitae Variant Classification Sherloc (09022015). Collection method: clinical testing. Allele origin: germline.
Comment: This variant is not present in population databases (gnomAD no frequency). This variant results in the deletion of part of exon 5 (c.448_449+2del) of the CNGA3 gene. It is expected to disrupt RNA splicing. Variants that disrupt the donor or acceptor splice site typically lead to a loss of protein function (PMID: 16199547), and loss-of-function variants in CNGA3 are known to be pathogenic (PMID: 14757870, 24903488, 25637600). This variant has not been reported in the literature in individuals affected with CNGA3-related conditions. Algorithms developed to predict the effect of sequence changes on RNA splicing suggest that this variant may disrupt the consensus splice site. In summary, the currently available evidence indicates that the variant is pathogenic, but additional data are needed to prove that conclusively. Therefore, this variant has been classified as Likely Pathogenic.

Blueprint Genetics
Classification: Uncertain significance. Last evaluated: 2023-02-08. Review status: criteria provided, single submitter. Criteria: ACMG Guidelines, 2015. Collection method: clinical testing. Allele origin: germline.

Literature cited by the submitters: PubMed 16199547 (cited by Labcorp Genetics (formerly Invitae), Labcorp); PubMed 14757870 (cited by Labcorp Genetics (formerly Invitae), Labcorp); PubMed 24903488 (cited by Labcorp Genetics (formerly Invitae), Labcorp); PubMed 25637600 (cited by Labcorp Genetics (formerly Invitae), Labcorp).